The following is an entry in ClinVar:

NM_001558.4(IL10RA):c.1452G>A (p.Glu484=)

Gene: IL10RA (interleukin 10 receptor subunit alpha; plus strand). Cytogenetic location: 11q23.3.
Variant type: single nucleotide variant.
Coding change: c.1452G>A on transcript NM_001558.4 (MANE Select); coding-DNA position 1452, G replaced by A.
Protein change: p.Glu484=; no amino-acid change (glutamic acid 484 retained).
Molecular consequence: synonymous variant. On other transcripts: non-coding transcript variant (1).
Genome position (GRCh38, 1-based): chr11:117,999,356, G>A. VCF-style: chr11-117999356-G-A. GRCh37 (hg19) VCF-style: chr11-117870071-G-A.
Identifiers: ClinVar variation 302559 (VCV000302559.52), dbSNP rs139576148, ClinGen allele CA6299189.

ClinVar aggregate classification (germline): Conflicting classifications of pathogenicity. Review status: criteria provided, conflicting classifications (1 of 4 stars). 4 submissions from 4 submitters: Uncertain significance (1); Likely benign (2). 1 of the submissions does not count toward it. Last evaluated 2025-11-23.

Conditions:
Inflammatory bowel disease 28. Also called: Inflammatory bowel disease 28, early onset, autosomal recessive. Identifiers: Orphanet 238569, MedGen C2751053, MONDO:0013153, OMIM 613148.
IL10RA-related disorder. Also called: IL10RA-related condition.

Allele frequency attached by ClinVar (database versions not stated): 1000 Genomes Project 30x 0.00016; gnomAD exomes 0.00016 and 0.00009; ExAC 0.00018; 1000 Genomes Project 0.00020; TOPMed 0.00007; gnomAD 0.00009.
gnomAD v4.1: 143 of 1,614,170 alleles (0.0089%); highest among the groups gnomAD compares: Non-Finnish European, 0.011%; no homozygotes.

Submissions (4):

Labcorp Genetics (formerly Invitae), Labcorp
Classification: Likely benign for Inflammatory bowel disease 28. Last evaluated: 2025-11-23. Review status: criteria provided, single submitter. Criteria: Invitae Variant Classification Sherloc (09022015). Collection method: clinical testing. Allele origin: germline.

CeGaT Center for Human Genetics Tuebingen
Classification: Likely benign. Last evaluated: 2020-12-01. Review status: criteria provided, single submitter. Criteria: CeGaT Center For Human Genetics Tuebingen Variant Classification Criteria Version 2. Collection method: clinical testing. Allele origin: germline. Affected: yes. Observed: 1 variant allele.

Illumina Laboratory Services, Illumina
Classification: Uncertain significance for Inflammatory bowel disease 28. Last evaluated: 2018-01-13. Review status: criteria provided, single submitter. Criteria: ICSL Variant Classification Criteria 13 December 2019. Collection method: clinical testing. Allele origin: germline.

PreventionGenetics, part of Exact Sciences
Classification: Likely benign for IL10RA-related condition. Last evaluated: 2022-04-21. Review status: no assertion criteria provided. Collection method: clinical testing. Allele origin: germline. Not counted in ClinVar's aggregate classification.
Comment: This variant is classified as likely benign based on ACMG/AMP sequence variant interpretation guidelines (Richards et al. 2015 PMID: 25741868, with internal and published modifications).